The following is an entry in ClinVar:

ClinVar aggregate classification (germline): Conflicting classifications of pathogenicity. Review status: criteria provided, conflicting classifications (1 of 4 stars). 4 submissions from 4 submitters: Uncertain significance (3); Likely benign (1). Last evaluated 2024-03-19.

Conditions:
Hereditary cancer-predisposing syndrome. Also called: Hereditary neoplastic syndrome; Tumor predisposition; Hereditary Cancer Syndrome; Neoplastic Syndromes, Hereditary. Identifiers: Orphanet 140162, MedGen C0027672, MeSH D009386, MONDO:0015356.
Hereditary breast ovarian cancer syndrome. Also called: BRCA1- and BRCA2-Associated Hereditary Breast and Ovarian Cancer; Hereditary breast and ovarian cancer syndrome (HBOC); Hereditary breast and/or ovarian cancer syndrome; Hereditary breast and ovarian cancer syndrome; Hereditary breast and ovarian cancer; Breast and ovarian cancer. Identifiers: Orphanet 145, MedGen C0677776, MeSH D061325, MONDO:0003582. Disease mechanism: loss of function.

Submissions (4):

Ambry Genetics
Classification: Uncertain significance for Hereditary cancer-predisposing syndrome. Last evaluated: 2024-03-19. Review status: criteria provided, single submitter. Criteria: Ambry Variant Classification Scheme 2023. Collection method: clinical testing. Allele origin: germline.
Comment: The p.S521P variant (also known as c.1561T>C), located in coding exon 9 of the BRCA2 gene, results from a T to C substitution at nucleotide position 1561. The serine at codon 521 is replaced by proline, an amino acid with similar properties. This amino acid position is not well conserved in available vertebrate species. In addition, this alteration is predicted to be tolerated by in silico analysis. Since supporting evidence is limited at this time, the clinical significance of this alteration remains unclear.

University of Washington Department of Laboratory Medicine, University of Washington
Classification: Likely benign for Hereditary cancer-predisposing syndrome. Last evaluated: 2023-03-23. Review status: criteria provided, single submitter. Criteria: Dines et al. (Genet Med. 2020). Collection method: curation. Allele origin: germline.
Comment: Missense variant in a coldspot region where missense variants are very unlikely to be pathogenic (PMID:31911673).

BRCA2 exon 10 coldspot. Reclassification based on statistical prior probability.

Labcorp Genetics (formerly Invitae), Labcorp
Classification: Uncertain significance for Hereditary breast ovarian cancer syndrome. Last evaluated: 2023-03-10. Review status: criteria provided, single submitter. Criteria: Invitae Variant Classification Sherloc (09022015). Collection method: clinical testing. Allele origin: germline.
Comment: This sequence change replaces serine, which is neutral and polar, with proline, which is neutral and non-polar, at codon 521 of the BRCA2 protein (p.Ser521Pro). This variant is not present in population databases (gnomAD no frequency). This variant has not been reported in the literature in individuals affected with BRCA2-related conditions. ClinVar contains an entry for this variant (Variation ID: 220894). Advanced modeling of protein sequence and biophysical properties (such as structural, functional, and spatial information, amino acid conservation, physicochemical variation, residue mobility, and thermodynamic stability) performed at Invitae indicates that this missense variant is not expected to disrupt BRCA2 protein function. In summary, the available evidence is currently insufficient to determine the role of this variant in disease. Therefore, it has been classified as a Variant of Uncertain Significance.

Color Diagnostics, LLC DBA Color Health
Classification: Uncertain significance for Hereditary cancer-predisposing syndrome. Last evaluated: 2019-06-06. Review status: criteria provided, single submitter. Criteria: ACMG Guidelines, 2015. Collection method: clinical testing. Allele origin: germline.

NM_000059.4(BRCA2):c.1561T>C (p.Ser521Pro)

Gene: BRCA2 (BRCA2 DNA repair associated; plus strand). Cytogenetic location: 13q13.1.
Variant type: single nucleotide variant.
Coding change: c.1561T>C on transcript NM_000059.4 (MANE Select); coding-DNA position 1561, T replaced by C.
Protein change: p.Ser521Pro; replaces serine 521 with proline.
Molecular consequence: missense variant.
Genome position (GRCh38, 1-based): chr13:32,333,039, T>C. VCF-style: chr13-32333039-T-C. GRCh37 (hg19) VCF-style: chr13-32907176-T-C.
Other names: short protein forms S521P.
Identifiers: ClinVar variation 220894 (VCV000220894.15), dbSNP rs864622689, ClinGen allele CA348820.